The following is an entry in ClinVar:

ClinVar aggregate classification (germline): Uncertain significance (1 of 4 stars; one submission).

Conditions:
Hereditary cancer-predisposing syndrome. Also called: Neoplastic Syndromes, Hereditary; Tumor predisposition; Hereditary Cancer Syndrome; Hereditary neoplastic syndrome. Identifiers: Orphanet 140162, MedGen C0027672, MeSH D009386, MONDO:0015356.

Submission:

Ambry Genetics
Classification: Uncertain significance for Hereditary cancer-predisposing syndrome. Last evaluated: 2026-05-28. Review status: criteria provided, single submitter. Criteria: Ambry Variant Classification Scheme 2023. Collection method: clinical testing. Allele origin: germline.
Comment: The p.L275F variant (also known as c.825A>C), located in coding exon 6 of the ATM gene, results from an A to C substitution at nucleotide position 825. The leucine at codon 275 is replaced by phenylalanine, an amino acid with highly similar properties. In an assay testing ATM function, this variant showed a functionally normal result (Lee KS et al. Cell, 2025 Sep;188:5081-5099.e27). This amino acid position is highly conserved in available vertebrate species. In addition, the in silico prediction for this alteration is inconclusive. Based on the available evidence, the clinical significance of this variant remains unclear.

Literature cited by the submitters: PubMed 40580951.

NM_000051.4(ATM):c.825A>C (p.Leu275Phe)

Gene: ATM (ATM serine/threonine kinase; plus strand). Cytogenetic location: 11q22.3.
Variant type: single nucleotide variant.
Coding change: c.825A>C on transcript NM_000051.4 (MANE Select); coding-DNA position 825, A replaced by C.
Protein change: p.Leu275Phe; replaces leucine 275 with phenylalanine.
Molecular consequence: missense variant.
Genome position (GRCh38, 1-based): chr11:108,244,950, A>C. VCF-style: chr11-108244950-A-C. GRCh37 (hg19) VCF-style: chr11-108115677-A-C.
Other names: c.825A>C, p.Leu275Phe (NM_001351834.2); short protein forms L275F.
Identifiers: ClinVar variation 4867092 (VCV004867092.1).